The following is an entry in ClinVar:

ClinVar aggregate classification (germline): Likely benign. Review status: criteria provided, multiple submitters, no conflicts (2 of 4 stars). 2 submissions from 2 submitters: Likely benign (2). Last evaluated 2024-04-22.

Conditions:
Microcephaly, normal intelligence and immunodeficiency (NBS). Also called: Nijmegen breakage syndrome; Microcephaly with normal intelligence immunodeficiency and lymphoreticular malignancies; Nonsyndromal microcephaly autosomal recessive with normal intelligence; Seemanova syndrome 2; Ataxia telangiectasia variant V1; BERLIN BREAKAGE SYNDROME. Identifiers: Orphanet 647, MedGen C0398791, MONDO:0009623, OMIM 251260.

Allele frequency attached by ClinVar (database versions not stated): gnomAD 0.00001; TOPMed 0.00001.
gnomAD v4.1: 1 of 1,609,302 alleles (0.000062%); highest among the groups gnomAD compares: African/African-American, 0.0013%; no homozygotes.

Submissions (2):

Labcorp Genetics (formerly Invitae), Labcorp
Classification: Likely benign for Microcephaly, normal intelligence and immunodeficiency. Last evaluated: 2024-04-22. Review status: criteria provided, single submitter. Criteria: Invitae Variant Classification Sherloc (09022015). Collection method: clinical testing. Allele origin: germline.

GeneDx
Classification: Likely benign. Last evaluated: 2017-03-24. Review status: criteria provided, single submitter. Criteria: GeneDx Variant Classification (06012015). Collection method: clinical testing. Allele origin: germline. Affected: yes.
Comment: This variant is considered likely benign or benign based on one or more of the following criteria: it is a conservative change, it occurs at a poorly conserved position in the protein, it is predicted to be benign by multiple in silico algorithms, and/or has population frequency not consistent with disease.

NM_002485.5(NBN):c.171+14T>C

Gene: NBN (nibrin; minus strand). Cytogenetic location: 8q21.3.
Variant type: single nucleotide variant.
Coding change: c.171+14T>C on transcript NM_002485.5 (MANE Select); 14 bases into the intron after coding-DNA position 171, T replaced by C.
Molecular consequence: intron variant.
Genome position (GRCh38, 1-based): chr8:89,982,708, A>G on the plus strand (T>C on the coding strand, the complement: NBN is on the minus strand). VCF-style: chr8-89982708-A-G. GRCh37 (hg19) VCF-style: chr8-90994936-A-G.
Other names: c.-126+14T>C (NM_001024688.3).
Identifiers: ClinVar variation 508396 (VCV000508396.4), dbSNP rs1432243629, ClinGen allele CA658797122.